The following is an entry in ClinVar:

NM_005732.4(RAD50):c.247C>G (p.Arg83Gly)

Gene: RAD50 (RAD50 double strand break repair protein; plus strand). Cytogenetic location: 5q31.1.
Variant type: single nucleotide variant.
Coding change: c.247C>G on transcript NM_005732.4 (MANE Select); coding-DNA position 247, C replaced by G.
Protein change: p.Arg83Gly; replaces arginine 83 with glycine.
Molecular consequence: missense variant.
Genome position (GRCh38, 1-based): chr5:132,575,810, C>G. VCF-style: chr5-132575810-C-G. GRCh37 (hg19) VCF-style: chr5-131911502-C-G.
Other names: short protein forms R83G.
Identifiers: ClinVar variation 2087979 (VCV002087979.4), dbSNP rs1750386295, ClinGen allele CA360930451.

ClinVar aggregate classification (germline): Uncertain significance (1 of 4 stars; one submission).

Conditions:
Hereditary cancer-predisposing syndrome. Also called: Tumor predisposition; Hereditary Cancer Syndrome; Hereditary neoplastic syndrome; Neoplastic Syndromes, Hereditary. Identifiers: Orphanet 140162, MedGen C0027672, MeSH D009386, MONDO:0015356.

Submission:

Labcorp Genetics (formerly Invitae), Labcorp
Classification: Uncertain significance for Hereditary cancer-predisposing syndrome. Last evaluated: 2022-01-19. Review status: criteria provided, single submitter. Criteria: Invitae Variant Classification Sherloc (09022015). Collection method: clinical testing. Allele origin: germline.
Comment: This sequence change replaces arginine, which is basic and polar, with glycine, which is neutral and non-polar, at codon 83 of the RAD50 protein (p.Arg83Gly). This variant is not present in population databases (gnomAD no frequency). This variant has not been reported in the literature in individuals affected with RAD50-related conditions. Algorithms developed to predict the effect of missense changes on protein structure and function are either unavailable or do not agree on the potential impact of this missense change (SIFT: "Deleterious"; PolyPhen-2: "Probably Damaging"; Align-GVGD: "Class C0"). In summary, the available evidence is currently insufficient to determine the role of this variant in disease. Therefore, it has been classified as a Variant of Uncertain Significance.